The following is an entry in ClinVar:

ClinVar aggregate classification (germline): Benign. Review status: criteria provided, single submitter (1 of 4 stars). 2 submissions from 2 submitters: Benign (1). 1 of the submissions does not count toward it. Last evaluated 2018-01-30.

Conditions:
ACTG2-related disorder. Also called: ACTG2-related condition.

Allele frequency attached by ClinVar (database versions not stated): gnomAD exomes 0.00007 and 0.00021; ExAC 0.00029; 1000 Genomes Project 0.00040; 1000 Genomes Project 30x 0.00047; TOPMed 0.00091; gnomAD 0.00092 and 0.00100; ESP Exome Variant Server 0.00123.
gnomAD v4.1: 248 of 1,614,100 alleles (0.015%); highest among the groups gnomAD compares: African/African-American, 0.3%; no homozygotes.

Submissions (2):

Labcorp Genetics (formerly Invitae), Labcorp
Classification: Benign. Last evaluated: 2018-01-30. Review status: criteria provided, single submitter. Criteria: Invitae Variant Classification Sherloc (09022015). Collection method: clinical testing. Allele origin: germline.

PreventionGenetics, part of Exact Sciences
Classification: Likely benign for ACTG2-related condition. Last evaluated: 2019-02-20. Review status: no assertion criteria provided. Collection method: clinical testing. Allele origin: germline. Not counted in ClinVar's aggregate classification.
Comment: This variant is classified as likely benign based on ACMG/AMP sequence variant interpretation guidelines (Richards et al. 2015 PMID: 25741868, with internal and published modifications).

NM_001615.4(ACTG2):c.246C>T (p.Asp82=)

Gene: ACTG2 (actin gamma 2, smooth muscle; plus strand). Cytogenetic location: 2p13.1.
Variant type: single nucleotide variant.
Coding change: c.246C>T on transcript NM_001615.4 (MANE Select); coding-DNA position 246, C replaced by T.
Protein change: p.Asp82=; no amino-acid change (aspartic acid 82 retained).
Molecular consequence: synonymous variant. On other transcripts: intron variant (1).
Genome position (GRCh38, 1-based): chr2:73,902,479, C>T. VCF-style: chr2-73902479-C-T. GRCh37 (hg19) VCF-style: chr2-74129606-C-T.
Other names: c.126+1042C>T (NM_001199893.2).
Identifiers: ClinVar variation 712354 (VCV000712354.5), dbSNP rs143614519, ClinGen allele CA1717858.